The following is an entry in ClinVar:

ClinVar aggregate classification (germline): Uncertain significance. Review status: criteria provided, multiple submitters, no conflicts (2 of 4 stars). 2 submissions from 2 submitters: Uncertain significance (2). Last evaluated 2024-05-23.

Conditions:
Schwannomatosis. Identifiers: Orphanet 93921, MedGen C1335929, MeSH C536641, MONDO:0008075.

Allele frequency attached by ClinVar (database versions not stated): gnomAD exomes below 0.00001.
gnomAD v4.1: 1 of 1,580,902 alleles (0.000063%); highest among the groups gnomAD compares: Non-Finnish European, 0.000086%; no homozygotes.

Submissions (2):

Department of Pathology and Laboratory Medicine, Sinai Health System
Classification: Uncertain significance for Schwannomatosis. Last evaluated: 2024-05-23. Review status: criteria provided, single submitter. Criteria: ACMG Guidelines, 2015. Collection method: clinical testing. Allele origin: germline. Affected: yes.

Labcorp Genetics (formerly Invitae), Labcorp
Classification: Uncertain significance. Last evaluated: 2022-12-15. Review status: criteria provided, single submitter. Criteria: Invitae Variant Classification Sherloc (09022015). Collection method: clinical testing. Allele origin: germline.
Comment: This sequence change affects codon 31 of the SMARCB1 mRNA. It is a 'silent' change, meaning that it does not change the encoded amino acid sequence of the SMARCB1 protein. This variant also falls at the last nucleotide of exon 1, which is part of the consensus splice site for this exon. This variant is not present in population databases (gnomAD no frequency). This variant has not been reported in the literature in individuals affected with SMARCB1-related conditions. Variants that disrupt the consensus splice site are a relatively common cause of aberrant splicing (PMID: 17576681, 9536098). Algorithms developed to predict the effect of sequence changes on RNA splicing suggest that this variant may disrupt the consensus splice site. In summary, the available evidence is currently insufficient to determine the role of this variant in disease. Therefore, it has been classified as a Variant of Uncertain Significance.

Literature cited by the submitters: PubMed 17576681 (cited by Labcorp Genetics (formerly Invitae), Labcorp); PubMed 9536098 (cited by Labcorp Genetics (formerly Invitae), Labcorp).

NM_003073.5(SMARCB1):c.93G>A (p.Glu31=)

Gene: SMARCB1 (SWI/SNF related BAF chromatin remodeling complex subunit B1; plus strand). Cytogenetic location: 22q11.23.
Variant type: single nucleotide variant.
Coding change: c.93G>A on transcript NM_003073.5 (MANE Select); coding-DNA position 93, G replaced by A.
Protein change: p.Glu31=; no amino-acid change (glutamic acid 31 retained).
Molecular consequence: synonymous variant.
Genome position (GRCh38, 1-based): chr22:23,787,262, G>A. VCF-style: chr22-23787262-G-A. GRCh37 (hg19) VCF-style: chr22-24129449-G-A.
Other names: c.93G>A, p.Glu31= (NM_001362877.2, NM_001007468.3, NM_001317946.2).
Identifiers: ClinVar variation 2820911 (VCV002820911.4), dbSNP rs2517652901, ClinGen allele CA513764816.